The following is an entry in ClinVar:

ClinVar aggregate classification (germline): Uncertain significance (1 of 4 stars; one submission).

Conditions:
Intellectual disability, autosomal recessive 53 (NEDHSCA). Also called: NEURODEVELOPMENTAL DISORDER WITH OR WITHOUT HYPOTONIA, SEIZURES, AND CEREBELLAR ATROPHY; GLYCOSYLPHOSPHATIDYLINOSITOL BIOSYNTHESIS DEFECT 13; Mental retardation, autosomal recessive 53. Identifiers: Orphanet 488635, MedGen C4310794, MONDO:0014832, OMIM 616917.

Allele frequency attached by ClinVar (database versions not stated): TOPMed below 0.00001.

Submission:

Labcorp Genetics (formerly Invitae), Labcorp
Classification: Uncertain significance for Intellectual disability, autosomal recessive 53. Last evaluated: 2022-02-13. Review status: criteria provided, single submitter. Criteria: Invitae Variant Classification Sherloc (09022015). Collection method: clinical testing. Allele origin: germline.
Comment: In summary, the available evidence is currently insufficient to determine the role of this variant in disease. Therefore, it has been classified as a Variant of Uncertain Significance. Algorithms developed to predict the effect of missense changes on protein structure and function are either unavailable or do not agree on the potential impact of this missense change (SIFT: "Tolerated"; PolyPhen-2: "Possibly Damaging"; Align-GVGD: "Class C0"). This variant has not been reported in the literature in individuals affected with PIGG-related conditions. This variant is not present in population databases (gnomAD no frequency). This sequence change replaces valine, which is neutral and non-polar, with isoleucine, which is neutral and non-polar, at codon 71 of the PIGG protein (p.Val71Ile).

NM_001127178.3(PIGG):c.211G>A (p.Val71Ile)

Gene: PIGG (phosphatidylinositol glycan anchor biosynthesis class G (EMM blood group); plus strand). Cytogenetic location: 4p16.3.
Variant type: single nucleotide variant.
Coding change: c.211G>A on transcript NM_001127178.3 (MANE Select); coding-DNA position 211, G replaced by A.
Protein change: p.Val71Ile; replaces valine 71 with isoleucine.
Molecular consequence: missense variant. On other transcripts: 5 prime UTR variant (10), non-coding transcript variant (10).
Genome position (GRCh38, 1-based): chr4:500,452, G>A. VCF-style: chr4-500452-G-A. GRCh37 (hg19) VCF-style: chr4-494241-G-A.
Other names: c.-57G>A (NM_001289051.2, NM_001289053.2, NM_001289057.2 and 2 more transcripts); c.211G>A, p.Val71Ile (NM_001289052.2, NM_001345989.2, NM_017733.5); c.-226G>A (NM_001289055.2); c.-677G>A (NM_001345988.2); c.-1415G>A (NM_001345990.2); c.-1277G>A (NM_001345991.2); c.-1002G>A (NM_001345994.2); short protein forms V71I.
Identifiers: ClinVar variation 1364801 (VCV001364801.6), dbSNP rs1717246275, ClinGen allele CA355890879.
Genomic context (GRCh38, chr4:500,452, plus strand): 5'-TTAGGAGCCAGTTCTAACTGGACCACGCTGCCACCACCTCTCTTCAGTAAAGTTGTTATT[G>A]TTCTGATAGATGCCTTGAGAGATGATTTTGTGTTTGGGTCAAAGGGTGTGAAATTTATGC-3'
Protein context (NP_001120650.1, residues 61-81): PPPLFSKVVI[Val71Ile]LIDALRDDFV